The following is an entry in ClinVar:

NM_031418.4(ANO3):c.293A>C (p.Asp98Ala)

Gene: ANO3 (anoctamin 3; plus strand). Cytogenetic location: 11p14.2.
Variant type: single nucleotide variant.
Coding change: c.293A>C on transcript NM_031418.4 (MANE Select); coding-DNA position 293, A replaced by C.
Protein change: p.Asp98Ala; replaces aspartic acid 98 with alanine.
Molecular consequence: missense variant.
Genome position (GRCh38, 1-based): chr11:26,443,816, A>C. VCF-style: chr11-26443816-A-C. GRCh37 (hg19) VCF-style: chr11-26465363-A-C.
Other names: c.476A>C, p.Asp159Ala (NM_001313726.2); short protein forms D159A, D98A.
Identifiers: ClinVar variation 2038120 (VCV002038120.4), dbSNP rs889402542, ClinGen allele CA219763779.
Genomic context (GRCh38, chr11:26,443,816, plus strand): 5'-TTATTTCAGTTAATACTGAGGAGAATAAAAACGACTCTGTGCTGAGATGTTCATTTGCTG[A>C]CCTCAGCGATTTTTGTTTGGGTAAGTTGATAATCAGTATTTACCTACTCCTTTCCCTCTC-3'
Protein context (NP_113606.2, residues 88-108): NDSVLRCSFA[Asp98Ala]LSDFCLALGK

ClinVar aggregate classification (germline): Uncertain significance (1 of 4 stars; one submission).

Conditions:
Dystonic disorder. Also called: Dystonia. Identifiers: MedGen C0013421, MONDO:0003441, HP:0001332.

Allele frequency attached by ClinVar (database versions not stated): TOPMed 0.00005; gnomAD 0.00003.
gnomAD v4.1: 13 of 1,611,802 alleles (0.00081%); highest among the groups gnomAD compares: African/African-American, 0.015%; no homozygotes.

Submission:

Labcorp Genetics (formerly Invitae), Labcorp
Classification: Uncertain significance for Dystonic disorder. Last evaluated: 2022-03-25. Review status: criteria provided, single submitter. Criteria: Invitae Variant Classification Sherloc (09022015). Collection method: clinical testing. Allele origin: germline.
Comment: Advanced modeling of protein sequence and biophysical properties (such as structural, functional, and spatial information, amino acid conservation, physicochemical variation, residue mobility, and thermodynamic stability) performed at Invitae indicates that this missense variant is not expected to disrupt ANO3 protein function. In summary, the available evidence is currently insufficient to determine the role of this variant in disease. Therefore, it has been classified as a Variant of Uncertain Significance. This variant has not been reported in the literature in individuals affected with ANO3-related conditions. This variant is present in population databases (no rsID available, gnomAD 0.02%). This sequence change replaces aspartic acid, which is acidic and polar, with alanine, which is neutral and non-polar, at codon 98 of the ANO3 protein (p.Asp98Ala).